The following is an entry in ClinVar:

NM_002087.4(GRN):c.245G>T (p.Ser82Ile)

Gene: GRN (granulin precursor; plus strand). Cytogenetic location: 17q21.31.
Variant type: single nucleotide variant.
Coding change: c.245G>T on transcript NM_002087.4 (MANE Select); coding-DNA position 245, G replaced by T.
Protein change: p.Ser82Ile; replaces serine 82 with isoleucine.
Molecular consequence: missense variant.
Genome position (GRCh38, 1-based): chr17:44,349,532, G>T. VCF-style: chr17-44349532-G-T. GRCh37 (hg19) VCF-style: chr17-42426900-G-T.
Other names: short protein forms S82I.
Identifiers: ClinVar variation 4791050 (VCV004791050.1).

ClinVar aggregate classification (germline): Uncertain significance (1 of 4 stars; one submission).

Conditions:
Neuronal ceroid lipofuscinosis 11. Also called: GRN-Related Neuronal Ceroid-Lipofuscinosis. Identifiers: Orphanet 314629, Orphanet 79262, MedGen C3539123, MONDO:0013866, OMIM 614706.
GRN-related frontotemporal lobar degeneration with Tdp43 inclusions (FTD2). Also called: DEMENTIA, HEREDITARY DYSPHASIC DISINHIBITION; FRONTOTEMPORAL LOBAR DEGENERATION WITH UBIQUITIN-POSITIVE INCLUSIONS; FTLD-TDP, GRN-RELATED; FRONTOTEMPORAL DEMENTIA WITH TDP43 INCLUSIONS, GRN-RELATED; GRN Frontotemporal Dementia. Identifiers: Orphanet 100070, Orphanet 282, MedGen C1843792, MONDO:0011842, OMIM 607485. Disease mechanism: loss of function.

gnomAD v4.1: 1 of 1,614,208 alleles (0.000062%); highest among the groups gnomAD compares: African/African-American, 0.0013%; no homozygotes.

Submission:

Labcorp Genetics (formerly Invitae), Labcorp
Classification: Uncertain significance for Neuronal ceroid lipofuscinosis 11; GRN-related frontotemporal lobar degeneration with Tdp43 inclusions. Last evaluated: 2025-02-26. Review status: criteria provided, single submitter. Criteria: Invitae Variant Classification Sherloc (09022015). Collection method: clinical testing. Allele origin: germline.
Comment: This sequence change replaces serine, which is neutral and polar, with isoleucine, which is neutral and non-polar, at codon 82 of the GRN protein (p.Ser82Ile). This variant is not present in population databases (gnomAD no frequency). This variant has not been reported in the literature in individuals affected with GRN-related conditions. An algorithm developed to predict the effect of missense changes on protein structure and function (PolyPhen-2) suggests that this variant is likely to be disruptive. In summary, the available evidence is currently insufficient to determine the role of this variant in disease. Therefore, it has been classified as a Variant of Uncertain Significance.